The following is an entry in ClinVar:

ClinVar aggregate classification (germline): Uncertain significance. Review status: criteria provided, multiple submitters, no conflicts (2 of 4 stars). 2 submissions from 2 submitters: Uncertain significance (2). Last evaluated 2024-03-15.

Conditions:
Isolated focal cortical dysplasia type II (FCORD2). Also called: Focal cortical dysplasia type II; CORTICAL DYSPLASIA OF TAYLOR. Identifiers: Orphanet 268994, MedGen C1846385, MONDO:0011818, OMIM 607341, HP:0032051.
Tuberous sclerosis 2 (TSC2). Identifiers: Orphanet 805, MedGen C1860707, MONDO:0013199, OMIM 613254.

Submissions (2):

Baylor Genetics
Classification: Uncertain significance for Isolated focal cortical dysplasia type II. Last evaluated: 2024-03-15. Review status: criteria provided, single submitter. Criteria: ACMG Guidelines, 2015. Collection method: clinical testing. Allele origin: unknown.

Labcorp Genetics (formerly Invitae), Labcorp
Classification: Uncertain significance for Tuberous sclerosis 2. Last evaluated: 2018-10-29. Review status: criteria provided, single submitter. Criteria: Invitae Variant Classification Sherloc (09022015). Collection method: clinical testing. Allele origin: germline.
Comment: This sequence change replaces threonine with serine at codon 41 of the TSC2 protein (p.Thr41Ser). The threonine residue is highly conserved and there is a small physicochemical difference between threonine and serine. This variant is not present in population databases (ExAC no frequency). In summary, the available evidence is currently insufficient to determine the role of this variant in disease. Therefore, it has been classified as a Variant of Uncertain Significance. Algorithms developed to predict the effect of missense changes on protein structure and function are either unavailable or do not agree on the potential impact of this missense change (SIFT: "Tolerated"; PolyPhen-2: "Possibly Damaging"; Align-GVGD: "Class C0"). This variant has not been reported in the literature in individuals with TSC2-related disease.

NM_000548.5(TSC2):c.121A>T (p.Thr41Ser)

Gene: TSC2 (TSC complex subunit 2; plus strand). Cytogenetic location: 16p13.3.
Variant type: single nucleotide variant.
Coding change: c.121A>T on transcript NM_000548.5 (MANE Select); coding-DNA position 121, A replaced by T.
Protein change: p.Thr41Ser; replaces threonine 41 with serine.
Molecular consequence: missense variant. On other transcripts: intron variant (1), 5 prime UTR variant (1).
Genome position (GRCh38, 1-based): chr16:2,048,736, A>T. VCF-style: chr16-2048736-A-T. GRCh37 (hg19) VCF-style: chr16-2098737-A-T.
Other names: c.121A>T, p.Thr41Ser (NM_001363528.2, NM_001370404.1, NM_001370405.1 and 4 more transcripts); c.-10+671A>T (NM_001318829.2); c.-106A>T (NM_001318831.2); c.154A>T, p.Thr52Ser (NM_001318832.2); short protein forms T41S, T52S.
Identifiers: ClinVar variation 655432 (VCV000655432.9), dbSNP rs1596234558, ClinGen allele CA394301697.